The following is an entry in ClinVar:

NM_004153.4(ORC1):c.589G>T (p.Ala197Ser)

Gene: ORC1 (origin recognition complex subunit 1; minus strand). Cytogenetic location: 1p32.3.
Variant type: single nucleotide variant.
Coding change: c.589G>T on transcript NM_004153.4 (MANE Select); coding-DNA position 589, G replaced by T.
Protein change: p.Ala197Ser; replaces alanine 197 with serine.
Molecular consequence: missense variant.
Genome position (GRCh38, 1-based): chr1:52,396,178, C>A on the plus strand (G>T on the coding strand, the complement: ORC1 is on the minus strand). VCF-style: chr1-52396178-C-A. GRCh37 (hg19) VCF-style: chr1-52861850-C-A.
Other names: c.589G>T, p.Ala197Ser (NM_001190818.2, NM_001190819.2); short protein forms A197S.
Identifiers: ClinVar variation 1442835 (VCV001442835.4), dbSNP rs778334872, ClinGen allele CA853555.
Genomic context (GRCh38, chr1:52,396,178, plus strand): 5'-AGTGCCTTGATTCAATCCTTTTGGCCACATGTTCTGCTGGGGTCCAAGAAGGGCTCTCTG[C>A]ACTCTTACTCTTGGCTCTCACGGGTTTCTGGCACTTGGCTGCACTCTCTTGTGGTTTATT-3'
Protein context (NP_004144.2, residues 187-207): QKPVRAKSKS[Ala197Ser]ESPSWTPAEH

ClinVar aggregate classification (germline): Uncertain significance (1 of 4 stars; one submission).

Allele frequency attached by ClinVar (database versions not stated): gnomAD 0.00001; ExAC 0.00005.
gnomAD v4.1: 9 of 1,614,042 alleles (0.00056%); highest among the groups gnomAD compares: Admixed American, 0.015%; 1 homozygote.

Submission:

Labcorp Genetics (formerly Invitae), Labcorp
Classification: Uncertain significance. Last evaluated: 2021-09-09. Review status: criteria provided, single submitter. Criteria: Invitae Variant Classification Sherloc (09022015). Collection method: clinical testing. Allele origin: germline.
Comment: In summary, the available evidence is currently insufficient to determine the role of this variant in disease. Therefore, it has been classified as a Variant of Uncertain Significance. Algorithms developed to predict the effect of missense changes on protein structure and function (SIFT, PolyPhen-2, Align-GVGD) all suggest that this variant is likely to be tolerated. This variant has not been reported in the literature in individuals affected with ORC1-related conditions. This variant is present in population databases (rs778334872, ExAC 0.05%), including at least one homozygous and/or hemizygous individual. This sequence change replaces alanine with serine at codon 197 of the ORC1 protein (p.Ala197Ser). The alanine residue is weakly conserved and there is a moderate physicochemical difference between alanine and serine.